The following is an entry in ClinVar:

ClinVar aggregate classification (germline): Uncertain significance (1 of 4 stars; one submission).

Conditions:
Hereditary sensory and autonomic neuropathy type 6. Also called: Neuropathy, hereditary sensory and autonomic, type VI; HSAN VI. Identifiers: Orphanet 314381, MedGen C3539003, MONDO:0013839, OMIM 614653.
Epidermolysis bullosa simplex 3, localized or generalized intermediate, with BP230 deficiency (EBS3). Also called: Epidermolysis bullosa simplex due to BP230 deficiency; Epidermolysis bullosa simplex, autosomal recessive 2. Identifiers: Orphanet 412181, MedGen C3809470, MONDO:0014180, OMIM 615425.

gnomAD v4.1: 1 of 1,614,184 alleles (0.000062%); highest among the groups gnomAD compares: Non-Finnish European, 0.000085%; no homozygotes.

Submission:

Labcorp Genetics (formerly Invitae), Labcorp
Classification: Uncertain significance for Epidermolysis bullosa simplex 3, localized or generalized intermediate, with BP230 deficiency; Hereditary sensory and autonomic neuropathy type 6. Last evaluated: 2022-03-03. Review status: criteria provided, single submitter. Criteria: Invitae Variant Classification Sherloc (09022015). Collection method: clinical testing. Allele origin: germline.
Comment: This sequence change replaces valine, which is neutral and non-polar, with isoleucine, which is neutral and non-polar, at codon 2263 of the DST protein (p.Val2263Ile). This variant is not present in population databases (gnomAD no frequency). This variant has not been reported in the literature in individuals affected with DST-related conditions. Algorithms developed to predict the effect of missense changes on protein structure and function (SIFT, PolyPhen-2, Align-GVGD) all suggest that this variant is likely to be tolerated. In summary, the available evidence is currently insufficient to determine the role of this variant in disease. Therefore, it has been classified as a Variant of Uncertain Significance.

NM_001723.7(DST):c.6787G>A (p.Val2263Ile)

Gene: DST (dystonin; minus strand). Cytogenetic location: 6p12.1.
Variant type: single nucleotide variant.
Coding change: c.6787G>A on transcript NM_001723.7 (MANE Plus Clinical); coding-DNA position 6787, G replaced by A.
Protein change: p.Val2263Ile; replaces valine 2263 with isoleucine.
Molecular consequence: missense variant. On other transcripts: intron variant (10).
Genome position (GRCh38, 1-based): chr6:56,616,680, C>T on the plus strand (G>A on the coding strand, the complement: DST is on the minus strand). VCF-style: chr6-56616680-C-T. GRCh37 (hg19) VCF-style: chr6-56481478-C-T.
Other names: c.4831-2196G>A (NM_001144769.5); c.4930-2196G>A (NM_001374722.1, NM_001374736.1); c.4957-2196G>A (NM_001374734.1); c.4417-2196G>A (NM_001144770.2); c.4297-2196G>A (NM_001374730.1, NM_001386100.1, NM_183380.4 and 1 more transcripts); c.3319-2196G>A (NM_015548.5); short protein forms V2263I.
Identifiers: ClinVar variation 1943256 (VCV001943256.5), dbSNP rs762975029, ClinGen allele CA364564398.